The following is an entry in ClinVar:

NM_000574.5(CD55):c.1089G>A (p.Thr363=)

Gene: CD55 (CD55 molecule (Cromer blood group); plus strand). Cytogenetic location: 1q32.2.
Variant type: single nucleotide variant.
Coding change: c.1089G>A on transcript NM_000574.5 (MANE Select); coding-DNA position 1089, G replaced by A.
Protein change: p.Thr363=; no amino-acid change (threonine 363 retained).
Molecular consequence: synonymous variant. On other transcripts: missense variant (2), 3 prime UTR variant (1), non-coding transcript variant (1).
Genome position (GRCh38, 1-based): chr1:207,359,553, G>A. VCF-style: chr1-207359553-G-A. GRCh37 (hg19) VCF-style: chr1-207532898-G-A.
Other names: c.1207G>A, p.Val403Met (NM_001114752.3); c.1204G>A, p.Val402Met (NM_001300903.2); c.*27G>A (NM_001300904.2); c.1089G>A (NM_000574.3); short protein forms V402M, V403M.
Identifiers: ClinVar variation 1537548 (VCV001537548.31), dbSNP rs767750936, ClinGen allele CA344515393.
Genomic context (GRCh38, chr1:207,359,553, plus strand): 5'-AAATAAAATCATTTTGATTTTAACTTTTTTTTTTTTTTTTTTTTAATTTTCAGGGCACAC[G>A]TGTTTCACGTTGACAGGTTTGCTTGGGACGCTAGTAACCATGGGCTTGCTGACTTAGCCA-3'
Protein context (NP_000565.1, residues 353-373): SGTTRLLSGH[Thr363=]CFTLTGLLGT

ClinVar aggregate classification (germline): Conflicting classifications of pathogenicity. Review status: criteria provided, conflicting classifications (1 of 4 stars). 3 submissions from 3 submitters: Uncertain significance (1); Likely benign (2). Last evaluated 2025-08-09.

Conditions:
Inborn genetic diseases. Identifiers: MedGen C0950123, MeSH D030342.

Allele frequency attached by ClinVar (database versions not stated): TOPMed 0.00002; gnomAD 0.00003.
gnomAD v4.1: 19 of 1,499,384 alleles (0.0013%); highest among the groups gnomAD compares: African/African-American, 0.0078%; no homozygotes.

Submissions (3):

Ambry Genetics
Classification: Likely benign for Inborn genetic diseases. Last evaluated: 2025-08-09. Review status: criteria provided, single submitter. Criteria: Ambry Variant Classification Scheme 2023. Collection method: clinical testing. Allele origin: germline.

Labcorp Genetics (formerly Invitae), Labcorp
Classification: Likely benign. Last evaluated: 2025-04-11. Review status: criteria provided, single submitter. Criteria: Invitae Variant Classification Sherloc (09022015). Collection method: clinical testing. Allele origin: germline.

CeGaT Center for Human Genetics Tuebingen
Classification: Uncertain significance. Last evaluated: 2023-12-01. Review status: criteria provided, single submitter. Criteria: CeGaT Center For Human Genetics Tuebingen Variant Classification Criteria Version 2. Collection method: clinical testing. Allele origin: germline. Affected: yes. Observed: 1 variant allele.
Comment: CD55: PM2, BP4